The following is an entry in ClinVar:

ClinVar aggregate classification (germline): Conflicting classifications of pathogenicity. Review status: criteria provided, conflicting classifications (1 of 4 stars). 7 submissions from 7 submitters: Uncertain significance (2); Benign (1); Likely benign (4). Last evaluated 2026-01-28.

Conditions:
Ehlers-Danlos syndrome, dermatosparaxis type. Also called: Dermatosparaxis; Ehlers-Danlos syndrome, type VII, autosomal recessive; EDS VIIC. Identifiers: Orphanet 1901, MedGen C2700425, MONDO:0009161, OMIM 225410.
ADAMTS2-related disorder. Also called: ADAMTS2-related condition.

Allele frequency attached by ClinVar (database versions not stated): gnomAD exomes 0.00003 and 0.00007; gnomAD 0.00007; TOPMed 0.00007; ExAC 0.00010.
gnomAD v4.1: 52 of 1,555,466 alleles (0.0033%); highest among the groups gnomAD compares: African/African-American, 0.0055%; no homozygotes.

Submissions (7):

Labcorp Genetics (formerly Invitae), Labcorp
Classification: Likely benign for Ehlers-Danlos syndrome, dermatosparaxis type. Last evaluated: 2026-01-28. Review status: criteria provided, single submitter. Criteria: Invitae Variant Classification Sherloc (09022015). Collection method: clinical testing. Allele origin: germline.

Women's Health and Genetics/Laboratory Corporation of America, LabCorp
Classification: Likely benign. Last evaluated: 2026-01-13. Review status: criteria provided, single submitter. Criteria: LabCorp Variant Classification Summary - May 2015. Collection method: clinical testing. Allele origin: germline.

PreventionGenetics, part of Exact Sciences
Classification: Likely benign for ADAMTS2-related condition. Last evaluated: 2025-05-28. Review status: criteria provided, single submitter. Criteria: ACMG Guidelines, 2015. Collection method: clinical testing. Allele origin: germline.
Comment: This variant is classified as likely benign based on ACMG/AMP sequence variant interpretation guidelines (Richards et al. 2015 PMID: 25741868, with internal and published modifications).

CeGaT Center for Human Genetics Tuebingen
Classification: Uncertain significance. Last evaluated: 2024-11-01. Review status: criteria provided, single submitter. Criteria: CeGaT Center For Human Genetics Tuebingen Variant Classification Criteria Version 2. Collection method: clinical testing. Allele origin: germline. Affected: yes. Observed: 1 variant allele.
Comment: ADAMTS2: PM2, BP4

Blueprint Genetics
Classification: Benign. Last evaluated: 2024-03-05. Review status: criteria provided, single submitter. Criteria: ACMG Guidelines, 2015. Collection method: clinical testing. Allele origin: germline.

GeneDx
Classification: Likely benign. Last evaluated: 2021-05-04. Review status: criteria provided, single submitter. Criteria: GeneDx Variant Classification Process June 2021. Collection method: clinical testing. Allele origin: germline. Affected: yes.

Illumina Laboratory Services, Illumina
Classification: Uncertain significance for Ehlers-Danlos syndrome, dermatosparaxis type. Last evaluated: 2018-03-02. Review status: criteria provided, single submitter. Criteria: ICSL Variant Classification Criteria 13 December 2019. Collection method: clinical testing. Allele origin: germline.

NM_014244.5(ADAMTS2):c.2970C>T (p.Thr990=)

Gene: ADAMTS2 (ADAM metallopeptidase with thrombospondin type 1 motif 2; minus strand). Cytogenetic location: 5q35.3.
Variant type: single nucleotide variant.
Coding change: c.2970C>T on transcript NM_014244.5 (MANE Select); coding-DNA position 2970, C replaced by T.
Protein change: p.Thr990=; no amino-acid change (threonine 990 retained).
Molecular consequence: synonymous variant.
Genome position (GRCh38, 1-based): chr5:179,122,762, G>A on the plus strand (C>T on the coding strand, the complement: ADAMTS2 is on the minus strand). VCF-style: chr5-179122762-G-A. GRCh37 (hg19) VCF-style: chr5-178549763-G-A.
Identifiers: ClinVar variation 511977 (VCV000511977.34), dbSNP rs769689633, ClinGen allele CA3595341.